The following is an entry in ClinVar:

ClinVar aggregate classification (germline): Uncertain significance. Review status: criteria provided, multiple submitters, no conflicts (2 of 4 stars). 2 submissions from 2 submitters: Uncertain significance (2). Last evaluated 2025-10-03.

Conditions:
Pulmonary fibrosis and/or bone marrow failure, Telomere-related, 3. Also called: PULMONARY FIBROSIS AND/OR BONE MARROW FAILURE SYNDROME, TELOMERE-RELATED, 3. Identifiers: Orphanet 2032, MedGen C4225346, MONDO:0014613, OMIM 616373.
Dyskeratosis congenita, autosomal recessive 5 (DKCB5). Identifiers: MedGen C3554656, MONDO:0014076, OMIM 615190.
Inborn genetic diseases. Identifiers: MedGen C0950123, MeSH D030342.

gnomAD v4.1: 1 of 1,612,614 alleles (0.000062%); highest among the groups gnomAD compares: African/African-American, 0.0013%; no homozygotes.

Submissions (2):

Ambry Genetics
Classification: Uncertain significance for Inborn genetic diseases. Last evaluated: 2025-10-03. Review status: criteria provided, single submitter. Criteria: Ambry Variant Classification Scheme 2023. Collection method: clinical testing. Allele origin: germline.
Comment: The p.P943S variant (also known as c.2827C>T), located in coding exon 28 of the RTEL1 gene, results from a C to T substitution at nucleotide position 2827. The proline at codon 943 is replaced by serine, an amino acid with similar properties. This amino acid position is conserved. In addition, this alteration is predicted to be tolerated by in silico analysis. Based on the available evidence, the clinical significance of this variant remains unclear.

Labcorp Genetics (formerly Invitae), Labcorp
Classification: Uncertain significance for Dyskeratosis congenita, autosomal recessive 5; Pulmonary fibrosis and/or bone marrow failure, Telomere-related, 3. Last evaluated: 2025-03-31. Review status: criteria provided, single submitter. Criteria: Invitae Variant Classification Sherloc (09022015). Collection method: clinical testing. Allele origin: germline.
Comment: This sequence change replaces proline, which is neutral and non-polar, with serine, which is neutral and polar, at codon 943 of the RTEL1 protein (p.Pro943Ser). This variant is not present in population databases (gnomAD no frequency). This variant has not been reported in the literature in individuals affected with RTEL1-related conditions. ClinVar contains an entry for this variant (Variation ID: 2929566). An algorithm developed to predict the effect of missense changes on protein structure and function (PolyPhen-2) suggests that this variant is likely to be tolerated. In summary, the available evidence is currently insufficient to determine the role of this variant in disease. Therefore, it has been classified as a Variant of Uncertain Significance.

NM_001283009.2(RTEL1):c.2827C>T (p.Pro943Ser)

Genes: RTEL1 (regulator of telomere elongation helicase 1; plus strand), RTEL1-TNFRSF6B (RTEL1-TNFRSF6B readthrough (NMD candidate); plus strand). Cytogenetic location: 20q13.33.
Variant type: single nucleotide variant.
Coding change: c.2827C>T on transcript NM_001283009.2 (MANE Select); coding-DNA position 2827, C replaced by T.
Protein change: p.Pro943Ser; replaces proline 943 with serine.
Molecular consequence: missense variant. On other transcripts: non-coding transcript variant (1).
Genome position (GRCh38, 1-based): chr20:63,692,979, C>T. VCF-style: chr20-63692979-C-T. GRCh37 (hg19) VCF-style: chr20-62324332-C-T.
Other names: c.2158C>T, p.Pro720Ser (NM_001283010.1); c.2827C>T, p.Pro943Ser (NM_016434.4); c.2899C>T, p.Pro967Ser (NM_032957.5); short protein forms P720S, P967S, P943S.
Identifiers: ClinVar variation 2929566 (VCV002929566.4), dbSNP rs777978680, ClinGen allele CA409683108.